The following is an entry in ClinVar:

Conditions:
Breast-ovarian cancer, familial, susceptibility to, 1 (BROVCA1). Also called: BRCA1 Hereditary Breast and Ovarian Cancer; OVARIAN CANCER, SUSCEPTIBILITY TO. Identifiers: Orphanet 145, MedGen C2676676, MONDO:0011450, OMIM 604370. Disease mechanism: loss of function.

Submission:

Brotman Baty Institute, University of Washington
No classification provided (evidence only). Condition: Breast-ovarian cancer, familial 1. Review status: no classification provided. Collection method: in vitro. Allele origin: not applicable. Functional consequence: functionally_abnormal.
ClinVar note: "not provided" was previously submitted as the classification for the variant. However, the classification appeared to be based only on an observation of functional data so it was converted to no classification on 2025-07-30.

NM_007294.4(BRCA1):c.5047G>C (p.Glu1683Gln)

Gene: BRCA1 (BRCA1 DNA repair associated; minus strand). Cytogenetic location: 17q21.31.
Variant type: single nucleotide variant.
Coding change: c.5047G>C on transcript NM_007294.4 (MANE Select); coding-DNA position 5047, G replaced by C.
Protein change: p.Glu1683Gln; replaces glutamic acid 1683 with glutamine.
Molecular consequence: missense variant. On other transcripts: non-coding transcript variant (1).
Genome position (GRCh38, 1-based): chr17:43,067,635, C>G on the plus strand (G>C on the coding strand, the complement: BRCA1 is on the minus strand). VCF-style: chr17-43067635-C-G. GRCh37 (hg19) VCF-style: chr17-41219652-C-G.
Other names: c.4783G>C, p.Glu1595Gln (NM_001407922.1, NM_001407923.1, NM_001407924.1 and 4 more transcripts); c.4780G>C, p.Glu1594Gln (NM_001407927.1, NM_001407928.1, NM_001407929.1 and 4 more transcripts); c.4924G>C, p.Glu1642Gln (NM_001407938.1, NM_001407664.1, NM_001407665.1 and 6 more transcripts); c.4921G>C, p.Glu1641Gln (NM_001407939.1, NM_001407940.1, NM_001407670.1 and 11 more transcripts); c.4918G>C, p.Glu1640Gln (NM_001407941.1, NM_001407682.1, NM_001407683.1 and 6 more transcripts); c.4906G>C, p.Glu1636Gln (NM_001407942.1, NM_007297.4, NM_001407727.1 and 13 more transcripts); c.4903G>C, p.Glu1635Gln (NM_001407943.1, NM_001407944.1, NM_001407945.1 and 21 more transcripts); c.4714G>C, p.Glu1572Gln (NM_001407946.1, NM_001407947.1, NM_001407948.1 and 1 more transcripts); and 70 more; short protein forms E1636Q, E1683Q, E1704Q, E579Q, E1386Q, E1554Q, E1595Q, E1613Q.
Identifiers: ClinVar variation 867574 (VCV000867574.3), dbSNP rs80356879, ClinGen allele CA10591424.